The following is an entry in ClinVar:

NM_001009944.3(PKD1):c.6543C>G (p.Tyr2181Ter)

Gene: PKD1 (polycystin 1, transient receptor potential channel interacting; minus strand). Cytogenetic location: 16p13.3.
Variant type: single nucleotide variant.
Coding change: c.6543C>G on transcript NM_001009944.3 (MANE Select); coding-DNA position 6543, C replaced by G.
Protein change: p.Tyr2181Ter; replaces tyrosine 2181 with a stop codon.
Molecular consequence: nonsense.
Genome position (GRCh38, 1-based): chr16:2,108,624, G>C on the plus strand (C>G on the coding strand, the complement: PKD1 is on the minus strand). VCF-style: chr16-2108624-G-C. GRCh37 (hg19) VCF-style: chr16-2158625-G-C.
Other names: c.6543C>G, p.Tyr2181Ter (NM_000296.4); short protein forms Y2181*.
Identifiers: ClinVar variation 4532459 (VCV004532459.1).

ClinVar aggregate classification (germline): Pathogenic (1 of 4 stars; one submission).

Submission:

GeneDx
Classification: Pathogenic. Last evaluated: 2025-05-29. Review status: criteria provided, single submitter. Criteria: GeneDx Variant Classification Process June 2021. Collection method: clinical testing. Allele origin: germline. Affected: yes.
Comment: Nonsense variant predicted to result in protein truncation or nonsense mediated decay in a gene for which loss of function is a known mechanism of disease; Not observed at significant frequency in large population cohorts (gnomAD); This variant is associated with the following publications: (PMID: 36938073, 22508176)